The following is an entry in ClinVar:

NM_001369369.1(FOXN1):c.547G>A (p.Gly183Arg)

Gene: FOXN1 (forkhead box N1; plus strand). Cytogenetic location: 17q11.2.
Variant type: single nucleotide variant.
Coding change: c.547G>A on transcript NM_001369369.1 (MANE Select); coding-DNA position 547, G replaced by A.
Protein change: p.Gly183Arg; replaces glycine 183 with arginine.
Molecular consequence: missense variant.
Genome position (GRCh38, 1-based): chr17:28,524,926, G>A. VCF-style: chr17-28524926-G-A. GRCh37 (hg19) VCF-style: chr17-26851944-G-A.
Other names: c.547G>A, p.Gly183Arg (NM_003593.3); short protein forms G183R.
Identifiers: ClinVar variation 957983 (VCV000957983.8), dbSNP rs758422805, ClinGen allele CA8459254.

ClinVar aggregate classification (germline): Uncertain significance. Review status: criteria provided, multiple submitters, no conflicts (2 of 4 stars). 3 submissions from 3 submitters: Uncertain significance (3). Last evaluated 2025-10-17.

Conditions:
Inborn genetic diseases. Identifiers: MedGen C0950123, MeSH D030342.
T-cell immunodeficiency, congenital alopecia, and nail dystrophy. Also called: Congenital alopecia and nail dystrophy associated with severe functional T-cell immunodeficiency; Pignata Guarino syndrome. Identifiers: Orphanet 169095, MedGen C1866426, MONDO:0011132, OMIM 601705.

Allele frequency attached by ClinVar (database versions not stated): gnomAD 0.00001; gnomAD exomes 0.00003; TOPMed 0.00003; ExAC 0.00005.
gnomAD v4.1: 36 of 1,612,434 alleles (0.0022%); highest among the groups gnomAD compares: South Asian, 0.011%; no homozygotes.

Submissions (3):

Ambry Genetics
Classification: Uncertain significance for Inborn genetic diseases. Last evaluated: 2025-10-17. Review status: criteria provided, single submitter. Criteria: Ambry Variant Classification Scheme 2023. Collection method: clinical testing. Allele origin: germline.

Labcorp Genetics (formerly Invitae), Labcorp
Classification: Uncertain significance for T-cell immunodeficiency, congenital alopecia, and nail dystrophy. Last evaluated: 2024-02-16. Review status: criteria provided, single submitter. Criteria: Invitae Variant Classification Sherloc (09022015). Collection method: clinical testing. Allele origin: germline.
Comment: This sequence change replaces glycine, which is neutral and non-polar, with arginine, which is basic and polar, at codon 183 of the FOXN1 protein (p.Gly183Arg). This variant is present in population databases (rs758422805, gnomAD 0.007%). This variant has not been reported in the literature in individuals affected with FOXN1-related conditions. ClinVar contains an entry for this variant (Variation ID: 957983). Advanced modeling of protein sequence and biophysical properties (such as structural, functional, and spatial information, amino acid conservation, physicochemical variation, residue mobility, and thermodynamic stability) performed at Invitae indicates that this missense variant is not expected to disrupt FOXN1 protein function with a negative predictive value of 80%. In summary, the available evidence is currently insufficient to determine the role of this variant in disease. Therefore, it has been classified as a Variant of Uncertain Significance.

Revvity Omics, Revvity
Classification: Uncertain significance. Last evaluated: 2020-04-03. Review status: criteria provided, single submitter. Criteria: ACMG Guidelines, 2015. Collection method: clinical testing. Allele origin: germline.